The following is an entry in ClinVar:

ClinVar aggregate classification (germline): Uncertain significance (1 of 4 stars; one submission).

Conditions:
SKI-related disorder. Also called: SKI-related condition.

gnomAD v4.1: 1 of 1,596,370 alleles (0.000063%); highest among the groups gnomAD compares: Non-Finnish European, 0.000085%; no homozygotes.

Submission:

PreventionGenetics, part of Exact Sciences
Classification: Uncertain significance for SKI-related condition. Last evaluated: 2025-03-25. Review status: criteria provided, single submitter. Criteria: ACMG Guidelines, 2015. Collection method: clinical testing. Allele origin: germline.
Comment: The SKI c.536A>G variant is predicted to result in the amino acid substitution p.Lys179Arg. To our knowledge, this variant has not been reported in the literature or in a large population database (gnomAD) indicating this variant is rare. At this time, the clinical significance of this variant is uncertain due to the absence of conclusive functional and genetic evidence.

NM_003036.4(SKI):c.536A>G (p.Lys179Arg)

Gene: SKI (SKI proto-oncogene; plus strand). Cytogenetic location: 1p36.33.
Variant type: single nucleotide variant.
Coding change: c.536A>G on transcript NM_003036.4 (MANE Select); coding-DNA position 536, A replaced by G.
Protein change: p.Lys179Arg; replaces lysine 179 with arginine.
Molecular consequence: missense variant.
Genome position (GRCh38, 1-based): chr1:2,229,302, A>G. VCF-style: chr1-2229302-A-G. GRCh37 (hg19) VCF-style: chr1-2160741-A-G.
Other names: short protein forms K179R.
Identifiers: ClinVar variation 4999805 (VCV004999805.1).